The following is an entry in ClinVar:

ClinVar aggregate classification (germline): Uncertain significance (1 of 4 stars; one submission).

Conditions:
Renal tubular acidosis with progressive nerve deafness. Also called: RENAL TUBULAR ACIDOSIS, AUTOSOMAL RECESSIVE, WITH PROGRESSIVE NERVE DEAFNESS; RTA WITH PROGRESSIVE NERVE DEAFNESS; renal tubular acidosis, distal, 2, with progressive sensorineural hearing loss; Distal Renal Tubular Acidosis with Progressive Sensorineural Deafness. Identifiers: MedGen C0403554, MONDO:0009968, OMIM 267300.

gnomAD v4.1: 3 of 1,614,224 alleles (0.00019%); no homozygotes.

Submission:

Laboratorio de Genetica e Diagnostico Molecular, Hospital Israelita Albert Einstein
Classification: Uncertain significance for Renal tubular acidosis with progressive nerve deafness. Last evaluated: 2023-08-24. Review status: criteria provided, single submitter. Criteria: ACMG Guidelines, 2015. Collection method: clinical testing. Allele origin: germline. Affected: yes.
Comment: ACMG classification criteria: PM2 moderate, PP3 supporting

NM_001692.4(ATP6V1B1):c.494A>C (p.Gln165Pro)

Gene: ATP6V1B1 (ATPase H+ transporting V1 subunit B1; plus strand). Cytogenetic location: 2p13.3.
Variant type: single nucleotide variant.
Coding change: c.494A>C on transcript NM_001692.4 (MANE Select); coding-DNA position 494, A replaced by C.
Protein change: p.Gln165Pro; replaces glutamine 165 with proline.
Molecular consequence: missense variant.
Genome position (GRCh38, 1-based): chr2:70,959,987, A>C. VCF-style: chr2-70959987-A-C. GRCh37 (hg19) VCF-style: chr2-71187117-A-C.
Other names: short protein forms Q165P.
Identifiers: ClinVar variation 3901010 (VCV003901010.1).